The following is an entry in ClinVar:

ClinVar aggregate classification (germline): Pathogenic (1 of 4 stars; one submission).

Conditions:
Cardiovascular phenotype. Identifiers: MedGen CN230736.

Submission:

Ambry Genetics
Classification: Pathogenic for Cardiovascular phenotype. Last evaluated: 2020-05-19. Review status: criteria provided, single submitter. Criteria: Ambry Variant Classification Scheme 2023. Collection method: clinical testing. Allele origin: germline.
Comment: The c.451_470del20insTCTGCTG pathogenic mutation, located in coding exon 4 of the ENG gene, results from the deletion of 20 nucleotides and insertion of 7 nucleotides causing a translational frameshift with a predicted alternate stop codon (p.A151Sfs*8). This alteration is expected to result in loss of function by premature protein truncation or nonsense-mediated mRNA decay. As such, this alteration is interpreted as a disease-causing mutation.

NM_001114753.3(ENG):c.451_470delinsTCTGCTG (p.Ala151fs)

Gene: ENG (endoglin; minus strand). Cytogenetic location: 9q34.11.
Variant type: Indel.
Coding change: c.451_470delinsTCTGCTG on transcript NM_001114753.3 (MANE Select); coding-DNA positions 451 to 470, GCTGAGAGGGGCCCCATCAC replaced by TCTGCTG.
Protein change: p.Ala151fs; shifts the reading frame from alanine 151.
Molecular consequence: frameshift variant. On other transcripts: 5 prime UTR variant (1).
Genome position (GRCh38, 1-based): chr9:127,826,563-127,826,582, GTGATGGGGCCCCTCTCAGC replaced by CAGCAGA on the plus strand (GCTGAGAGGGGCCCCATCAC replaced by TCTGCTG on the coding strand, the reverse complement: ENG is on the minus strand). VCF-style: chr9-127826563-GTGATGGGGCCCCTCTCAGC-CAGCAGA. GRCh37 (hg19) VCF-style: chr9-130588842-GTGATGGGGCCCCTCTCAGC-CAGCAGA.
Other names: c.451_470del20insTCTGCTG, p.Ala151Serfs (NM_000118.4, NM_001406715.1); c.-96_-77delinsTCTGCTG (NM_001278138.2); short protein forms A151fs.
Identifiers: ClinVar variation 1741122 (VCV001741122.2), dbSNP rs2539077773, ClinGen allele CA2580079700.